The following is an entry in ClinVar:

ClinVar aggregate classification (germline): Likely benign. Review status: criteria provided, multiple submitters, no conflicts (2 of 4 stars). 2 submissions from 2 submitters: Likely benign (2). Last evaluated 2024-09-24.

Allele frequency attached by ClinVar (database versions not stated): ExAC 0.00011; 1000 Genomes Project 0.00020; gnomAD exomes 0.00029; 1000 Genomes Project 30x 0.00031; gnomAD 0.00038.
gnomAD v4.1: 421 of 1,404,252 alleles (0.03%); highest among the groups gnomAD compares: Non-Finnish European, 0.017%; no homozygotes.

Submissions (2):

Blueprint Genetics
Classification: Likely benign. Last evaluated: 2024-09-24. Review status: criteria provided, single submitter. Criteria: ACMG Guidelines, 2015. Collection method: clinical testing. Allele origin: germline.

CeGaT Center for Human Genetics Tuebingen
Classification: Likely benign. Last evaluated: 2022-11-01. Review status: criteria provided, single submitter. Criteria: CeGaT Center For Human Genetics Tuebingen Variant Classification Criteria Version 2. Collection method: clinical testing. Allele origin: germline. Affected: yes. Observed: 1 variant allele.
Comment: MAP3K1: BP4, BP7

NM_005921.2(MAP3K1):c.273G>A (p.Pro91=)

Genes: MAP3K1 (mitogen-activated protein kinase kinase kinase 1; plus strand), LOC129993918 (ATAC-STARR-seq lymphoblastoid silent region 16021; plus strand). Cytogenetic location: 5q11.2.
Variant type: single nucleotide variant.
Coding change: c.273G>A on transcript NM_005921.2 (MANE Select); coding-DNA position 273, G replaced by A.
Protein change: p.Pro91=; no amino-acid change (proline 91 retained).
Molecular consequence: synonymous variant.
Genome position (GRCh38, 1-based): chr5:56,815,846, G>A. VCF-style: chr5-56815846-G-A. GRCh37 (hg19) VCF-style: chr5-56111673-G-A.
Identifiers: ClinVar variation 1879623 (VCV001879623.30), dbSNP rs193032766, ClinGen allele CA3272515.